The following is an entry in ClinVar:

ClinVar aggregate classification (germline): Uncertain significance (1 of 4 stars; one submission).

Conditions:
Hereditary sensory and autonomic neuropathy type 6. Also called: HSAN VI; Neuropathy, hereditary sensory and autonomic, type VI. Identifiers: Orphanet 314381, MedGen C3539003, MONDO:0013839, OMIM 614653.
Epidermolysis bullosa simplex 3, localized or generalized intermediate, with BP230 deficiency (EBS3). Also called: Epidermolysis bullosa simplex due to BP230 deficiency; Epidermolysis bullosa simplex, autosomal recessive 2. Identifiers: Orphanet 412181, MedGen C3809470, MONDO:0014180, OMIM 615425.

Allele frequency attached by ClinVar (database versions not stated): gnomAD exomes below 0.00001.
gnomAD v4.1: 2 of 1,613,840 alleles (0.00012%); highest among the groups gnomAD compares: African/African-American, 0.0013%; no homozygotes.

Submission:

Labcorp Genetics (formerly Invitae), Labcorp
Classification: Uncertain significance for Epidermolysis bullosa simplex 3, localized or generalized intermediate, with BP230 deficiency; Hereditary sensory and autonomic neuropathy type 6. Last evaluated: 2022-06-13. Review status: criteria provided, single submitter. Criteria: Invitae Variant Classification Sherloc (09022015). Collection method: clinical testing. Allele origin: germline.
Comment: This sequence change replaces glycine, which is neutral and non-polar, with arginine, which is basic and polar, at codon 4284 of the DST protein (p.Gly4284Arg). The DST gene has multiple clinically relevant transcripts. This variant occurs in alternate transcript NM_015548.4, and corresponds to NM_001723.5:c.*123252G>A in the primary transcript. This variant is not present in population databases (gnomAD no frequency). In summary, the available evidence is currently insufficient to determine the role of this variant in disease. Therefore, it has been classified as a Variant of Uncertain Significance. Experimental studies and prediction algorithms are not available or were not evaluated, and the functional significance of this variant is currently unknown. This variant has not been reported in the literature in individuals affected with DST-related conditions.

NM_001374736.1(DST):c.20719G>A (p.Gly6907Arg)

Gene: DST (dystonin; minus strand). Cytogenetic location: 6p12.1.
Variant type: single nucleotide variant.
Coding change: c.20719G>A on transcript NM_001374736.1 (MANE Select); coding-DNA position 20719, G replaced by A.
Protein change: p.Gly6907Arg; replaces glycine 6907 with arginine.
Molecular consequence: missense variant.
Genome position (GRCh38, 1-based): chr6:56,492,265, C>T on the plus strand (G>A on the coding strand, the complement: DST is on the minus strand). VCF-style: chr6-56492265-C-T. GRCh37 (hg19) VCF-style: chr6-56357063-C-T.
Other names: c.14362G>A, p.Gly4788Arg (NM_001144769.5); c.13948G>A, p.Gly4650Arg (NM_001144770.2); c.20719G>A, p.Gly6907Arg (NM_001374722.1); c.19759G>A, p.Gly6587Arg (NM_001374729.1); c.13501G>A, p.Gly4501Arg (NM_001374730.1); c.20746G>A, p.Gly6916Arg (NM_001374734.1); c.13828G>A, p.Gly4610Arg (NM_001386100.1, NM_183380.4); c.12850G>A, p.Gly4284Arg (NM_015548.5); short protein forms G4284R, G4650R, G6587R, G6907R, G4501R, G4610R, G4788R, G6916R.
Identifiers: ClinVar variation 2002486 (VCV002002486.4), dbSNP rs2533935916, ClinGen allele CA364515224.